The following is an entry in ClinVar:

ClinVar aggregate classification (germline): Uncertain significance (1 of 4 stars; one submission).

Conditions:
Cardiovascular phenotype. Identifiers: MedGen CN230736.

Submission:

Ambry Genetics
Classification: Uncertain significance for Cardiovascular phenotype. Last evaluated: 2021-05-14. Review status: criteria provided, single submitter. Criteria: Ambry General Variant Classification Scheme_2022. Collection method: clinical testing. Allele origin: germline. Observed: 1 variant allele.
Comment: The c.1012delA variant, located in coding exon 7 of the ABCC9 gene, results from a deletion of one nucleotide at nucleotide position 1012, causing a translational frameshift with a predicted alternate stop codon (p.I338Ffs*17). This alteration is expected to result in premature protein truncation or nonsense-mediated mRNA decay. However, loss of function of ABCC9 has not been clearly established as a mechanism of disease. Since supporting evidence is limited at this time, the clinical significance of this alteration remains unclear.

NM_020297.4(ABCC9):c.1012delA (p.Ile338fs)

Gene: ABCC9 (ATP binding cassette subfamily C member 9; minus strand). Cytogenetic location: 12p12.1.
Variant type: Deletion.
Coding change: c.1012delA on transcript NM_020297.4 (MANE Select); coding-DNA position 1012, one base deleted (A).
Protein change: p.Ile338fs; shifts the reading frame from isoleucine 338.
Molecular consequence: frameshift variant.
Genome position (GRCh38, 1-based): chr12:21,910,978, T deleted on the plus strand (A on the coding strand, the reverse complement: ABCC9 is on the minus strand). VCF-style (leftmost placement, unchanged base first): chr12-21910977-AT-A. GRCh37 (hg19) VCF-style: chr12-22063911-AT-A.
Other names: c.1012delA, p.Ile338fs (NM_001377273.1, NM_005691.4); c.148delA, p.Ile50fs (NM_001377274.1); short protein forms I338fs, I50fs.
Identifiers: ClinVar variation 1734088 (VCV001734088.1), dbSNP rs2541678840, ClinGen allele CA2580085292.